The following is an entry in ClinVar:

NM_015662.3(IFT172):c.4676G>A (p.Arg1559Lys)

Genes: IFT172 (intraflagellar transport 172; minus strand), KRTCAP3 (keratinocyte associated protein 3; plus strand). Cytogenetic location: 2p23.3.
Variant type: single nucleotide variant.
Coding change: c.4676G>A on transcript NM_015662.3 (MANE Select); coding-DNA position 4676, G replaced by A.
Protein change: p.Arg1559Lys; replaces arginine 1559 with lysine.
Molecular consequence: missense variant. On other transcripts: 3 prime UTR variant (1).
Genome position (GRCh38, 1-based): chr2:27,446,339, C>T on the plus strand (G>A on the coding strand, the complement: IFT172 is on the minus strand). VCF-style: chr2-27446339-C-T. GRCh37 (hg19) VCF-style: chr2-27669206-C-T.
Other names: c.*44C>T (NM_001168364.2); c.4610G>A, p.Arg1537Lys (NM_001410739.1); short protein forms R1537K, R1559K.
Identifiers: ClinVar variation 2125622 (VCV002125622.4), dbSNP rs2465794909, ClinGen allele CA346415513.

ClinVar aggregate classification (germline): Uncertain significance (1 of 4 stars; one submission).

Conditions:
Short-rib thoracic dysplasia 10 with or without polydactyly (SRTD10). Identifiers: Orphanet 474, MedGen C3810175, MONDO:0014284, OMIM 615630.
Retinitis pigmentosa 71 (RP71). Identifiers: Orphanet 791, MedGen C4225342, MONDO:0014618, OMIM 616394.

Allele frequency attached by ClinVar (database versions not stated): gnomAD exomes below 0.00001.
gnomAD v4.1: 1 of 1,614,228 alleles (0.000062%); highest among the groups gnomAD compares: Non-Finnish European, 0.000085%; no homozygotes.

Submission:

Labcorp Genetics (formerly Invitae), Labcorp
Classification: Uncertain significance for Retinitis pigmentosa 71; Short-rib thoracic dysplasia 10 with or without polydactyly. Last evaluated: 2022-04-12. Review status: criteria provided, single submitter. Criteria: Invitae Variant Classification Sherloc (09022015). Collection method: clinical testing. Allele origin: germline.
Comment: In summary, the available evidence is currently insufficient to determine the role of this variant in disease. Therefore, it has been classified as a Variant of Uncertain Significance. Algorithms developed to predict the effect of missense changes on protein structure and function output the following: SIFT: "Tolerated"; PolyPhen-2: "Benign"; Align-GVGD: "Class C0". The lysine amino acid residue is found in multiple mammalian species, which suggests that this missense change does not adversely affect protein function. This variant has not been reported in the literature in individuals affected with IFT172-related conditions. This variant is not present in population databases (gnomAD no frequency). This sequence change replaces arginine, which is basic and polar, with lysine, which is basic and polar, at codon 1559 of the IFT172 protein (p.Arg1559Lys).